The following is an entry in ClinVar:

ClinVar aggregate classification (germline): Uncertain significance (1 of 4 stars; one submission).

Conditions:
Microcephaly, normal intelligence and immunodeficiency (NBS). Also called: BERLIN BREAKAGE SYNDROME; Immunodeficiency, microcephaly with normal intelligence; Ataxia telangiectasia variant V1; SEEMANOVA SYNDROME II; Nijmegen breakage syndrome; Microcephaly with normal intelligence immunodeficiency and lymphoreticular malignancies. Identifiers: Orphanet 647, MedGen C0398791, MONDO:0009623, OMIM 251260.

Submission:

Labcorp Genetics (formerly Invitae), Labcorp
Classification: Uncertain significance for Microcephaly, normal intelligence and immunodeficiency. Last evaluated: 2019-09-20. Review status: criteria provided, single submitter. Criteria: Invitae Variant Classification Sherloc (09022015). Collection method: clinical testing. Allele origin: germline.
Comment: This sequence change falls in intron 14 of the NBN gene. It does not directly change the encoded amino acid sequence of the NBN protein, but it affects a nucleotide within the consensus splice site of the intron. This variant is not present in population databases (ExAC no frequency). This variant has not been reported in the literature in individuals with NBN-related conditions. Nucleotide substitutions within the consensus splice site are a relatively common cause of aberrant splicing (PMID: 17576681, 9536098). Algorithms developed to predict the effect of sequence changes on RNA splicing suggest that this variant may disrupt the consensus splice site, but this prediction has not been confirmed by published transcriptional studies. In summary, the available evidence is currently insufficient to determine the role of this variant in disease. Therefore, it has been classified as a Variant of Uncertain Significance.

NM_002485.5(NBN):c.2184+6T>A

Gene: NBN (nibrin; minus strand). Cytogenetic location: 8q21.3.
Variant type: single nucleotide variant.
Coding change: c.2184+6T>A on transcript NM_002485.5 (MANE Select); 6 bases into the intron after coding-DNA position 2184, T replaced by A.
Molecular consequence: intron variant.
Genome position (GRCh38, 1-based): chr8:89,943,247, A>T on the plus strand (T>A on the coding strand, the complement: NBN is on the minus strand). VCF-style: chr8-89943247-A-T. GRCh37 (hg19) VCF-style: chr8-90955475-A-T.
Other names: c.1938+6T>A (NM_001024688.3).
Identifiers: ClinVar variation 940174 (VCV000940174.1), dbSNP rs1810029317, ClinGen allele CA1139660629.